The following is an entry in ClinVar:

ClinVar aggregate classification (germline): Uncertain significance (1 of 4 stars; one submission).

Submission:

GeneDx
Classification: Uncertain significance. Last evaluated: 2018-03-16. Review status: criteria provided, single submitter. Criteria: GeneDx Variant Classification (06012015). Collection method: clinical testing. Allele origin: germline. Affected: yes.
Comment: The c.3821_3833del13 variant has not been published as a pathogenic variant, nor has it been reported as a benign variant to our knowledge. The c.3821_3833del13 variant is not observed in large population cohorts (Lek et al., 2016). The c.3821_3833del13 variant causes a frameshift starting with codon Serine 1274, changes this amino acid to a Cysteine residue and creates a premature Stop codon at position 47 of the new reading frame, denoted p.Ser1274CysfsX47. Although this variant is predicted to cause loss of normal protein function, current evidence indicates that variants in exon 32 are unlikely to cause tuberous sclerosis (Ekong 2016). Specifically, loss-of-function variants in this exon have been identified in the published literature and at GeneDx in individuals who do not have features of TS (Ekong 2016). RNA expression analysis demonstrates an abundance of transcripts lacking this exon in multiple normal tissue types from healthy adults, and in vitro studies indicate that this exon is not essential for normal functional activity of the TSC complex (Ekong 2016). Therefore, based on the currently available information, it is unclear whether this variant is a pathogenic variant or a rare benign variant.

NM_000548.5(TSC2):c.3821_3833del (p.Ser1274fs)

Gene: TSC2 (TSC complex subunit 2; plus strand). Cytogenetic location: 16p13.3.
Variant type: Deletion.
Coding change: c.3821_3833del on transcript NM_000548.5 (MANE Select); coding-DNA positions 3821 to 3833, 13 bases deleted (CTTTCTCCTCCCT).
Protein change: p.Ser1274fs; shifts the reading frame from serine 1274.
Molecular consequence: frameshift variant. On other transcripts: intron variant (6).
Genome position (GRCh38, 1-based): chr16:2,082,442-2,082,454, CTTTCTCCTCCCT deleted; deleting any 13 consecutive bases within chr16:2,082,439-2,082,454 gives the same sequence; the c. name uses the placement nearest the transcript's 3' end. VCF-style (leftmost placement, unchanged base first): chr16-2082438-GCCTCTTTCTCCTC-G. GRCh37 (hg19) VCF-style: chr16-2132439-GCCTCTTTCTCCTC-G.
Other names: c.3089_3101del, p.Ser1030fs (NM_001318831.2); c.3689_3701del, p.Ser1230fs (NM_001370404.1); c.3692_3704del, p.Ser1231fs (NM_001370405.1, NM_021055.3); c.3814+644_3814+656del (NM_001114382.3); c.3685+644_3685+656del (NM_001363528.2); c.3682+644_3682+656del (NM_001077183.3); c.3574+644_3574+656del (NM_001318827.2); c.3538+644_3538+656del (NM_001318829.2); and 1 more; short protein forms S1030fs, S1274fs, S1231fs, S1230fs.
Identifiers: ClinVar variation 419818 (VCV000419818.2), dbSNP rs1064794126, ClinGen allele CA16620098.